The following is an entry in ClinVar:

NM_002582.4(PARN):c.529C>T (p.Gln177Ter)

Gene: PARN (poly(A)-specific ribonuclease; minus strand). Cytogenetic location: 16p13.12.
Variant type: single nucleotide variant.
Coding change: c.529C>T on transcript NM_002582.4 (MANE Select); coding-DNA position 529, C replaced by T.
Protein change: p.Gln177Ter; replaces glutamine 177 with a stop codon.
Molecular consequence: nonsense.
Genome position (GRCh38, 1-based): chr16:14,610,669, G>A on the plus strand (C>T on the coding strand, the complement: PARN is on the minus strand). VCF-style: chr16-14610669-G-A. GRCh37 (hg19) VCF-style: chr16-14704526-G-A.
Other names: p.Gln116*; c.529C>T, p.Gln177Ter (LRG_1286t1); c.346C>T, p.Gln116Ter (NM_001134477.3); c.391C>T, p.Gln131Ter (NM_001242992.2); short protein forms Q177*, Q116*, Q131*.
Identifiers: ClinVar variation 190469 (VCV000190469.68), dbSNP rs876661305, ClinGen allele CA10575708.

ClinVar aggregate classification (germline): Pathogenic. Review status: criteria provided, multiple submitters, no conflicts (2 of 4 stars). 4 submissions from 4 submitters: Pathogenic (3). 1 of the submissions does not count toward it. Last evaluated 2026-01-17.

Conditions:
Dyskeratosis congenita, autosomal recessive 6 (DKCB6). Identifiers: MedGen C4225356, MONDO:0014600, OMIM 616353.
Pulmonary fibrosis and/or bone marrow failure, Telomere-related, 4. Also called: PULMONARY FIBROSIS AND/OR BONE MARROW FAILURE SYNDROME, TELOMERE-RELATED, 4. Identifiers: Orphanet 2032, MedGen C4225347, MONDO:0014612, OMIM 616371.
Pulmonary fibrosis. Identifiers: MedGen C0034069, MONDO:0002771, HP:0002206.

Allele frequency attached by ClinVar (database versions not stated): TOPMed 0.00001.
gnomAD v4.1: 1 of 1,610,056 alleles (0.000062%); highest among the groups gnomAD compares: Non-Finnish European, 0.000085%; no homozygotes.

Submissions (4):

Labcorp Genetics (formerly Invitae), Labcorp
Classification: Pathogenic for Dyskeratosis congenita, autosomal recessive 6; Pulmonary fibrosis and/or bone marrow failure, Telomere-related, 4. Last evaluated: 2026-01-17. Review status: criteria provided, single submitter. Criteria: Invitae Variant Classification Sherloc (09022015). Collection method: clinical testing. Allele origin: germline.
Comment: This sequence change creates a premature translational stop signal (p.Gln177*) in the PARN gene. It is expected to result in an absent or disrupted protein product. Loss-of-function variants in PARN are known to be pathogenic (PMID: 9736620, 25848748, 26810774). This variant is not present in population databases (gnomAD no frequency). This premature translational stop signal has been observed in individual(s) with autosomal dominant pulmonary fibrosis (PMID: 25848748). ClinVar contains an entry for this variant (Variation ID: 190469). For these reasons, this variant has been classified as Pathogenic.

Garcia Pulmonary Genetics Research Laboratory, Columbia University Irving Medical Center
Classification: Pathogenic for Pulmonary fibrosis. Last evaluated: 2022-06-09. Review status: criteria provided, single submitter. Criteria: ACMG Guidelines, 2015. Collection method: research. Allele origin: germline. Affected: yes.
Comment: Pathogenic criteria: null variant (PVS1) with functional study supportive of damaging effect (PS3): leukocyte telomere length (by qPCR) less than 10th percentile age-adjusted

CeGaT Center for Human Genetics Tuebingen
Classification: Pathogenic. Last evaluated: 2020-07-01. Review status: criteria provided, single submitter. Criteria: CeGaT Center For Human Genetics Tuebingen Variant Classification Criteria Version 2. Collection method: clinical testing. Allele origin: germline. Affected: yes. Observed: 1 variant allele.

OMIM
Classification: Pathogenic for PULMONARY FIBROSIS AND/OR BONE MARROW FAILURE SYNDROME, TELOMERE-RELATED, 4. Last evaluated: 2015-05-01. Review status: no assertion criteria provided. Collection method: literature only. Allele origin: germline. Not counted in ClinVar's aggregate classification.

Literature cited by the submitters: PubMed 9736620 (cited by Labcorp Genetics (formerly Invitae), Labcorp); PubMed 25848748 (cited by Labcorp Genetics (formerly Invitae), Labcorp and OMIM); PubMed 26810774 (cited by Labcorp Genetics (formerly Invitae), Labcorp).